The following is an entry in ClinVar:

ClinVar aggregate classification (germline): Uncertain significance. Review status: criteria provided, multiple submitters, no conflicts (2 of 4 stars). 3 submissions from 3 submitters: Uncertain significance (3). Last evaluated 2026-01-19.

Conditions:
Inborn genetic diseases. Identifiers: MedGen C0950123, MeSH D030342.

Allele frequency attached by ClinVar (database versions not stated): gnomAD exomes 0.00001; TOPMed 0.00002; gnomAD 0.00003.
gnomAD v4.1: 11 of 1,610,586 alleles (0.00068%); highest among the groups gnomAD compares: Non-Finnish European, 0.00085%; no homozygotes.

Submissions (3):

Labcorp Genetics (formerly Invitae), Labcorp
Classification: Uncertain significance. Last evaluated: 2026-01-19. Review status: criteria provided, single submitter. Criteria: Invitae Variant Classification Sherloc (09022015). Collection method: clinical testing. Allele origin: germline.
Comment: This sequence change falls in intron 42 of the NALCN gene. It does not directly change the encoded amino acid sequence of the NALCN protein. It affects a nucleotide within the consensus splice site. This variant is present in population databases (no rsID available, gnomAD 0.002%). This variant has not been reported in the literature in individuals affected with NALCN-related conditions. ClinVar contains an entry for this variant (Variation ID: 1302501). Variants that disrupt the consensus splice site are a relatively common cause of aberrant splicing (PMID: 17576681, 9536098). Algorithms developed to predict the effect of sequence changes on RNA splicing suggest that this variant may disrupt the consensus splice site. In summary, the available evidence is currently insufficient to determine the role of this variant in disease. Therefore, it has been classified as a Variant of Uncertain Significance.

Ambry Genetics
Classification: Uncertain significance for Inborn genetic diseases. Last evaluated: 2022-06-21. Review status: criteria provided, single submitter. Criteria: Ambry Variant Classification Scheme 2023. Collection method: clinical testing. Allele origin: germline.
Comment: The c.4906-3C>A intronic alteration consists of a C to A substitution 3 nucleotides before coding exon 42 in the NALCN gene. Based on insufficient or conflicting evidence, the clinical significance of this alteration remains unclear.

GeneDx
Classification: Uncertain significance. Last evaluated: 2019-04-29. Review status: criteria provided, single submitter. Criteria: GeneDx Variant Classification Process June 2021. Collection method: clinical testing. Allele origin: germline. Affected: yes.
Comment: In silico analysis, which includes splice predictors and evolutionary conservation, supports a deleterious effect; Has not been previously published as pathogenic or benign to our knowledge

Literature cited by the submitters: PubMed 17576681 (cited by Labcorp Genetics (formerly Invitae), Labcorp); PubMed 9536098 (cited by Labcorp Genetics (formerly Invitae), Labcorp).

NM_052867.4(NALCN):c.4906-3C>A

Genes: NALCN (sodium leak channel, non-selective; minus strand), NALCN-AS1 (NALCN antisense RNA 1; plus strand). Cytogenetic location: 13q32.3.
Variant type: single nucleotide variant.
Coding change: c.4906-3C>A on transcript NM_052867.4 (MANE Select); 3 bases into the intron before coding-DNA position 4906, C replaced by A.
Molecular consequence: intron variant. On other transcripts: non-coding transcript variant (1).
Genome position (GRCh38, 1-based): chr13:101,058,059, G>T on the plus strand (C>A on the coding strand, the complement: NALCN is on the minus strand). VCF-style: chr13-101058059-G-T. GRCh37 (hg19) VCF-style: chr13-101710411-G-T.
Other names: c.4819-3C>A (NM_001350751.2, NM_001350750.2); c.4906-3C>A (NM_001350749.2, NM_052867.2); c.4993-3C>A (NM_001350748.2).
Identifiers: ClinVar variation 1302501 (VCV001302501.5), dbSNP rs1203141133, ClinGen allele CA484540165.